The following is an entry in ClinVar:

NM_000057.4(BLM):c.2639A>G (p.Glu880Gly)

Gene: BLM (BLM RecQ like helicase; plus strand). Cytogenetic location: 15q26.1.
Variant type: single nucleotide variant.
Coding change: c.2639A>G on transcript NM_000057.4 (MANE Select); coding-DNA position 2639, A replaced by G.
Protein change: p.Glu880Gly; replaces glutamic acid 880 with glycine.
Molecular consequence: missense variant.
Genome position (GRCh38, 1-based): chr15:90,782,905, A>G. VCF-style: chr15-90782905-A-G. GRCh37 (hg19) VCF-style: chr15-91326135-A-G.
Other names: c.2639A>G, p.Glu880Gly (NM_001287246.2, NM_001287247.2); c.1514A>G, p.Glu505Gly (NM_001287248.2); short protein forms E505G, E880G.
Identifiers: ClinVar variation 1471761 (VCV001471761.10), dbSNP rs2151178151, ClinGen allele CA393845772.

ClinVar aggregate classification (germline): Uncertain significance. Review status: criteria provided, multiple submitters, no conflicts (2 of 4 stars). 2 submissions from 2 submitters: Uncertain significance (2). Last evaluated 2024-04-08.

Conditions:
Hereditary cancer-predisposing syndrome. Also called: Tumor predisposition; Hereditary Cancer Syndrome; Hereditary neoplastic syndrome; Neoplastic Syndromes, Hereditary. Identifiers: Orphanet 140162, MedGen C0027672, MeSH D009386, MONDO:0015356.
Bloom syndrome (BLM). Also called: Bloom-Torre-Machacek syndrome. Identifiers: Orphanet 125, MedGen C0005859, MONDO:0008876, OMIM 210900.

Submissions (2):

Labcorp Genetics (formerly Invitae), Labcorp
Classification: Uncertain significance for Bloom syndrome. Last evaluated: 2024-04-08. Review status: criteria provided, single submitter. Criteria: Invitae Variant Classification Sherloc (09022015). Collection method: clinical testing. Allele origin: germline.
Comment: This sequence change replaces glutamic acid, which is acidic and polar, with glycine, which is neutral and non-polar, at codon 880 of the BLM protein (p.Glu880Gly). This variant is not present in population databases (gnomAD no frequency). This variant has not been reported in the literature in individuals affected with BLM-related conditions. ClinVar contains an entry for this variant (Variation ID: 1471761). Advanced modeling of protein sequence and biophysical properties (such as structural, functional, and spatial information, amino acid conservation, physicochemical variation, residue mobility, and thermodynamic stability) performed at Invitae indicates that this missense variant is not expected to disrupt BLM protein function with a negative predictive value of 80%. In summary, the available evidence is currently insufficient to determine the role of this variant in disease. Therefore, it has been classified as a Variant of Uncertain Significance.

Ambry Genetics
Classification: Uncertain significance for Hereditary cancer-predisposing syndrome. Last evaluated: 2022-05-12. Review status: criteria provided, single submitter. Criteria: Ambry Variant Classification Scheme 2023. Collection method: clinical testing. Allele origin: germline.
Comment: The p.E880G variant (also known as c.2639A>G), located in coding exon 12 of the BLM gene, results from an A to G substitution at nucleotide position 2639. The glutamic acid at codon 880 is replaced by glycine, an amino acid with similar properties. This amino acid position is conserved. In addition, this alteration is predicted to be tolerated by in silico analysis. Since supporting evidence is limited at this time, the clinical significance of this alteration remains unclear.